The following is an entry in ClinVar:

ClinVar aggregate classification (germline): Uncertain significance (1 of 4 stars; one submission).

Conditions:
Developmental and epileptic encephalopathy, 12 (DEE12). Identifiers: MedGen C3150988, MONDO:0013389, OMIM 613722.

Allele frequency attached by ClinVar (database versions not stated): ESP Exome Variant Server 0.00008; gnomAD exomes below 0.00001; TOPMed below 0.00001; gnomAD 0.00001.
gnomAD v4.1: 2 of 1,611,826 alleles (0.00012%); highest among the groups gnomAD compares: African/African-American, 0.0013%; no homozygotes.

Submission:

Neuberg Centre For Genomic Medicine, NCGM
Classification: Uncertain significance for Developmental and epileptic encephalopathy, 12. Review status: criteria provided, single submitter. Criteria: ACMG Guidelines, 2015. Collection method: clinical testing. Allele origin: germline. Affected: yes.
Comment: The missense variant p.Y1102H in PLCB1 (NM_015192.4) has not been reported previously as a pathogenic variant nor as a benign variant, to our knowledge. The p.Y1102H variant is novel (not in any individuals) in gnomAD Exomes and is novel (not in any individuals) in 1000 Genomes. There is a moderate physicochemical difference between tyrosine and histidine. The p.Y1102H missense variant is predicted to be damaging by both SIFT and PolyPhen2. The tyrosine residue at codon 1102 of PLCB1 is conserved in all mammalian species. The nucleotide c.3304 in PLCB1 is predicted conserved by GERP++ and PhyloP across 100 vertebrates. For these reasons, this variant has been classified as Uncertain Significance

NM_015192.4(PLCB1):c.3304T>C (p.Tyr1102His)

Gene: PLCB1 (phospholipase C beta 1; plus strand). Cytogenetic location: 20p12.3.
Variant type: single nucleotide variant.
Coding change: c.3304T>C on transcript NM_015192.4 (MANE Select); coding-DNA position 3304, T replaced by C.
Protein change: p.Tyr1102His; replaces tyrosine 1102 with histidine.
Molecular consequence: missense variant.
Genome position (GRCh38, 1-based): chr20:8,789,543, T>C. VCF-style: chr20-8789543-T-C. GRCh37 (hg19) VCF-style: chr20-8770190-T-C.
Other names: c.3304T>C, p.Tyr1102His (NM_182734.3); short protein forms Y1102H.
Identifiers: ClinVar variation 1339256 (VCV001339256.2), dbSNP rs376179077, ClinGen allele CA311276471.